The following is an entry in ClinVar:

NC_000005.9:g.(?_131893011)_(131978062_?)del

Gene: RAD50 (RAD50 double strand break repair protein; plus strand). Cytogenetic location: 5q31.1.
Variant type: Deletion.
Identifiers: ClinVar variation 1072246 (VCV001072246.2).

ClinVar aggregate classification (germline): Pathogenic (1 of 4 stars; one submission).

Conditions:
Hereditary cancer-predisposing syndrome. Also called: Tumor predisposition; Hereditary neoplastic syndrome; Neoplastic Syndromes, Hereditary; Hereditary Cancer Syndrome. Identifiers: Orphanet 140162, MedGen C0027672, MeSH D009386, MONDO:0015356.

Submission:

Labcorp Genetics (formerly Invitae), Labcorp
Classification: Pathogenic for Hereditary cancer-predisposing syndrome. Last evaluated: 2021-10-09. Review status: criteria provided, single submitter. Criteria: Invitae Variant Classification Sherloc (09022015). Collection method: clinical testing. Allele origin: germline.
Comment: A gross deletion of the genomic region encompassing the full coding sequence of the RAD50 gene has been identified. Loss-of-function variants in RAD50 are known to be pathogenic (PMID: 19409520). The boundaries of this event are unknown as they extend beyond the assayed region for this gene and therefore may encompass additional genes. This variant has not been reported in the literature in individuals affected with RAD50-related conditions. For these reasons, this variant has been classified as Pathogenic.

Literature cited by the submitters: PubMed 19409520.